The following is an entry in ClinVar:

NM_000355.4(TCN2):c.116T>C (p.Leu39Ser)

Gene: TCN2 (transcobalamin 2; plus strand). Cytogenetic location: 22q12.2.
Variant type: single nucleotide variant.
Coding change: c.116T>C on transcript NM_000355.4 (MANE Select); coding-DNA position 116, T replaced by C.
Protein change: p.Leu39Ser; replaces leucine 39 with serine.
Molecular consequence: missense variant.
Genome position (GRCh38, 1-based): chr22:30,610,922, T>C. VCF-style: chr22-30610922-T-C. GRCh37 (hg19) VCF-style: chr22-31006909-T-C.
Other names: c.116T>C, p.Leu39Ser (NM_001184726.2); short protein forms L39S.
Identifiers: ClinVar variation 1715963 (VCV001715963.5), dbSNP rs2517900058, ClinGen allele CA411205819.

ClinVar aggregate classification (germline): Uncertain significance (1 of 4 stars; one submission).

Conditions:
Transcobalamin II deficiency (TCN2D). Also called: Transcolabamin II deficiency; TC II DEFICIENCY; TCN2 DEFICIENCY. Identifiers: Orphanet 859, MedGen C0342701, MONDO:0010149, OMIM 275350.

Submission:

Labcorp Genetics (formerly Invitae), Labcorp
Classification: Uncertain significance for Transcobalamin II deficiency. Last evaluated: 2022-08-09. Review status: criteria provided, single submitter. Criteria: Invitae Variant Classification Sherloc (09022015). Collection method: clinical testing. Allele origin: germline.
Comment: This variant has not been reported in the literature in individuals affected with TCN2-related conditions. This variant is not present in population databases (gnomAD no frequency). This sequence change replaces leucine, which is neutral and non-polar, with serine, which is neutral and polar, at codon 39 of the TCN2 protein (p.Leu39Ser). Algorithms developed to predict the effect of missense changes on protein structure and function are either unavailable or do not agree on the potential impact of this missense change (SIFT: "Deleterious"; PolyPhen-2: "Probably Damaging"; Align-GVGD: "Class C0"). In summary, the available evidence is currently insufficient to determine the role of this variant in disease. Therefore, it has been classified as a Variant of Uncertain Significance.